The following is an entry in ClinVar:

ClinVar aggregate classification (germline): Uncertain significance (1 of 4 stars; one submission).

gnomAD v4.1: 6 of 1,614,150 alleles (0.00037%); highest among the groups gnomAD compares: Non-Finnish European, 0.00051%; no homozygotes.

Submission:

Labcorp Genetics (formerly Invitae), Labcorp
Classification: Uncertain significance. Last evaluated: 2025-04-07. Review status: criteria provided, single submitter. Criteria: Invitae Variant Classification Sherloc (09022015). Collection method: clinical testing. Allele origin: germline.
Comment: This sequence change replaces methionine, which is neutral and non-polar, with isoleucine, which is neutral and non-polar, at codon 260 of the TSPAN12 protein (p.Met260Ile). This variant is present in population databases (no rsID available, gnomAD 0.0009%). This variant has not been reported in the literature in individuals affected with TSPAN12-related conditions. ClinVar contains an entry for this variant (Variation ID: 3646639). An algorithm developed to predict the effect of missense changes on protein structure and function outputs the following: PolyPhen-2: "Benign". The isoleucine amino acid residue is found in multiple mammalian species, which suggests that this missense change does not adversely affect protein function. In summary, the available evidence is currently insufficient to determine the role of this variant in disease. Therefore, it has been classified as a Variant of Uncertain Significance.

NM_012338.4(TSPAN12):c.780G>T (p.Met260Ile)

Gene: TSPAN12 (tetraspanin 12; minus strand). Cytogenetic location: 7q31.31.
Variant type: single nucleotide variant.
Coding change: c.780G>T on transcript NM_012338.4 (MANE Select); coding-DNA position 780, G replaced by T.
Protein change: p.Met260Ile; replaces methionine 260 with isoleucine.
Molecular consequence: missense variant.
Genome position (GRCh38, 1-based): chr7:120,788,730, C>A on the plus strand (G>T on the coding strand, the complement: TSPAN12 is on the minus strand). VCF-style: chr7-120788730-C-A. GRCh37 (hg19) VCF-style: chr7-120428784-C-A.
Other names: short protein forms M260I.
Identifiers: ClinVar variation 3646639 (VCV003646639.2).